The following is an entry in ClinVar:

ClinVar aggregate classification (germline): Uncertain significance (1 of 4 stars; one submission).

Allele frequency attached by ClinVar (database versions not stated): gnomAD 0.00002; TOPMed 0.00002.

Submission:

Labcorp Genetics (formerly Invitae), Labcorp
Classification: Uncertain significance. Last evaluated: 2022-08-01. Review status: criteria provided, single submitter. Criteria: Invitae Variant Classification Sherloc (09022015). Collection method: clinical testing. Allele origin: germline.
Comment: This sequence change replaces glycine, which is neutral and non-polar, with aspartic acid, which is acidic and polar, at codon 352 of the TUBGCP4 protein (p.Gly352Asp). This variant is present in population databases (no rsID available, gnomAD 0.06%). This variant has not been reported in the literature in individuals affected with TUBGCP4-related conditions. ClinVar contains an entry for this variant (Variation ID: 941365). Algorithms developed to predict the effect of missense changes on protein structure and function (SIFT, PolyPhen-2, Align-GVGD) all suggest that this variant is likely to be tolerated. In summary, the available evidence is currently insufficient to determine the role of this variant in disease. Therefore, it has been classified as a Variant of Uncertain Significance.

NM_014444.5(TUBGCP4):c.1055G>A (p.Gly352Asp)

Gene: TUBGCP4 (tubulin gamma complex component 4; plus strand). Cytogenetic location: 15q15.3.
Variant type: single nucleotide variant.
Coding change: c.1055G>A on transcript NM_014444.5 (MANE Select); coding-DNA position 1055, G replaced by A.
Protein change: p.Gly352Asp; replaces glycine 352 with aspartic acid.
Molecular consequence: missense variant.
Genome position (GRCh38, 1-based): chr15:43,395,147, G>A. VCF-style: chr15-43395147-G-A. GRCh37 (hg19) VCF-style: chr15-43687345-G-A.
Other names: c.1055G>A, p.Gly352Asp (NM_001286414.3); short protein forms G352D.
Identifiers: ClinVar variation 941365 (VCV000941365.7), dbSNP rs1001324895, ClinGen allele CA269998735.